The following is an entry in ClinVar:

NM_000953.3(PTGDR):c.995G>A (p.Arg332Gln)

Gene: PTGDR (prostaglandin D2 receptor; plus strand). Cytogenetic location: 14q22.1.
Variant type: single nucleotide variant.
Coding change: c.995G>A on transcript NM_000953.3 (MANE Select); coding-DNA position 995, G replaced by A.
Protein change: p.Arg332Gln; replaces arginine 332 with glutamine.
Molecular consequence: missense variant. On other transcripts: 3 prime UTR variant (1).
Genome position (GRCh38, 1-based): chr14:52,274,879, G>A. VCF-style: chr14-52274879-G-A. GRCh37 (hg19) VCF-style: chr14-52741597-G-A.
Other names: NC_000014.8:g.52741597G>A; c.*195G>A (NM_001281469.2); short protein forms R332Q.
Identifiers: ClinVar variation 2644239 (VCV002644239.25), dbSNP rs41312506, ClinGen allele CA7187675.

ClinVar aggregate classification (germline): Likely benign (1 of 4 stars; one submission).

Allele frequency attached by ClinVar (database versions not stated): 1000 Genomes Project 0.00479; 1000 Genomes Project 30x 0.00531; gnomAD 0.00646; ExAC 0.00683; TOPMed 0.00718; ESP Exome Variant Server 0.00830; gnomAD exomes 0.00952.
gnomAD v4.1: 14,718 of 1,608,706 alleles (0.91%); highest among the groups gnomAD compares: Non-Finnish European, 1.1%; 79 homozygotes.

Submissions (6):

CeGaT Center for Human Genetics Tuebingen
Classification: Likely benign. Last evaluated: 2023-01-01. Review status: criteria provided, single submitter. Criteria: CeGaT Center For Human Genetics Tuebingen Variant Classification Criteria Version 2. Collection method: clinical testing. Allele origin: germline. Affected: yes. Observed: 1 variant allele.
Comment: PTGDR: BP4, BS2

Dr. Peter K. Rogan Lab, Western University
No classification provided (evidence only). Condition: Clear cell carcinoma of kidney. Review status: no classification provided. Collection method: in vitro. Allele origin: not applicable. Functional consequence: retained intron. Not counted in ClinVar's aggregate classification.

Dr. Peter K. Rogan Lab, Western University
No classification provided (evidence only). Condition: Clear cell carcinoma of kidney. Review status: no classification provided. Collection method: in vitro. Allele origin: not applicable. Functional consequence: retained intron. Not counted in ClinVar's aggregate classification.

Dr. Peter K. Rogan Lab, Western University
No classification provided (evidence only). Condition: Melanoma. Review status: no classification provided. Collection method: in vitro. Allele origin: not applicable. Functional consequence: retained intron. Not counted in ClinVar's aggregate classification.

Dr. Peter K. Rogan Lab, Western University
No classification provided (evidence only). Condition: Thyroid cancer, nonmedullary, 1. Review status: no classification provided. Collection method: in vitro. Allele origin: not applicable. Functional consequence: retained intron. Not counted in ClinVar's aggregate classification.

Dr. Peter K. Rogan Lab, Western University
No classification provided (evidence only). Condition: Nonpapillary renal cell carcinoma. Review status: no classification provided. Collection method: in vitro. Allele origin: not applicable. Functional consequence: retained intron. Not counted in ClinVar's aggregate classification.